The following is an entry in ClinVar:

NM_005765.3(ATP6AP2):c.-46C>A

Gene: ATP6AP2 (ATPase H+ transporting accessory protein 2; plus strand). Cytogenetic location: Xp11.4.
Variant type: single nucleotide variant.
Coding change: c.-46C>A on transcript NM_005765.3 (MANE Select); 46 bases upstream of the start codon, C replaced by A.
Molecular consequence: 5 prime UTR variant.
Genome position (GRCh38, 1-based): chrX:40,581,020, C>A. VCF-style: chrX-40581020-C-A. GRCh37 (hg19) VCF-style: chrX-40440272-C-A.
Identifiers: ClinVar variation 204913 (VCV000204913.1), dbSNP rs377597654, ClinGen allele CA313356.

ClinVar aggregate classification (germline): Benign (1 of 4 stars; one submission).

Allele frequency attached by ClinVar (database versions not stated): gnomAD exomes 0.00053; ExAC 0.00110; ESP Exome Variant Server 0.00198; gnomAD 0.00246 and 0.00253; TOPMed 0.00283; 1000 Genomes Project 0.00477; 1000 Genomes Project 30x 0.00583.
gnomAD v4.1: 538 of 1,160,049 alleles (0.046%); highest among the groups gnomAD compares: African/African-American, 0.8%; 1 homozygote.

Submission:

GeneDx
Classification: Benign. Last evaluated: 2014-09-23. Review status: criteria provided, single submitter. Criteria: GeneDx Variant Classification (06012015). Collection method: clinical testing. Allele origin: germline. Affected: yes.
Comment: This variant is considered likely benign or benign based on one or more of the following criteria: it is a conservative change, it occurs at a poorly conserved position in the protein, it is predicted to be benign by multiple in silico algorithms, and/or has population frequency not consistent with disease.